The following is an entry in ClinVar:

ClinVar aggregate classification (germline): Uncertain significance (1 of 4 stars; one submission).

Conditions:
Gorlin syndrome. Also called: Basal cell nevus syndrome; Nevoid Basal Cell Carcinoma Syndrome. Identifiers: Orphanet 377, MedGen C0004779, MONDO:0007187.

Submission:

Labcorp Genetics (formerly Invitae), Labcorp
Classification: Uncertain significance for Gorlin syndrome. Last evaluated: 2025-09-12. Review status: criteria provided, single submitter. Criteria: Invitae Variant Classification Sherloc (09022015). Collection method: clinical testing. Allele origin: germline.
Comment: This sequence change replaces valine, which is neutral and non-polar, with isoleucine, which is neutral and non-polar, at codon 502 of the PTCH1 protein (p.Val502Ile). This variant is not present in population databases (gnomAD no frequency). This variant has not been reported in the literature in individuals affected with PTCH1-related conditions. Invitae Evidence Modeling of protein sequence and biophysical properties (such as structural, functional, and spatial information, amino acid conservation, physicochemical variation, residue mobility, and thermodynamic stability) indicates that this missense variant is not expected to disrupt PTCH1 protein function with a negative predictive value of 95%. In summary, the available evidence is currently insufficient to determine the role of this variant in disease. Therefore, it has been classified as a Variant of Uncertain Significance.

NM_000264.5(PTCH1):c.1504G>A (p.Val502Ile)

Gene: PTCH1 (patched 1; minus strand). Cytogenetic location: 9q22.32.
Variant type: single nucleotide variant.
Coding change: c.1504G>A on transcript NM_000264.5 (MANE Select); coding-DNA position 1504, G replaced by A.
Protein change: p.Val502Ile; replaces valine 502 with isoleucine.
Molecular consequence: missense variant. On other transcripts: non-coding transcript variant (1).
Genome position (GRCh38, 1-based): chr9:95,476,857, C>T on the plus strand (G>A on the coding strand, the complement: PTCH1 is on the minus strand). VCF-style: chr9-95476857-C-T. GRCh37 (hg19) VCF-style: chr9-98239139-C-T.
Other names: c.1306G>A, p.Val436Ile (NM_001083602.3); c.1501G>A, p.Val501Ile (NM_001083603.3); c.1051G>A, p.Val351Ile (NM_001083604.3, NM_001083605.3, NM_001083606.3 and 1 more transcripts); c.1348G>A, p.Val450Ile (NM_001354918.2); short protein forms V351I, V436I, V450I, V501I, V502I.
Identifiers: ClinVar variation 4811253 (VCV004811253.1).